The following is an entry in ClinVar:

NM_001378454.1(ALMS1):c.5054C>T (p.Pro1685Leu)

Gene: ALMS1 (ALMS1 centrosome and basal body associated protein; plus strand). Cytogenetic location: 2p13.1.
Variant type: single nucleotide variant.
Coding change: c.5054C>T on transcript NM_001378454.1 (MANE Select); coding-DNA position 5054, C replaced by T.
Protein change: p.Pro1685Leu; replaces proline 1685 with leucine.
Molecular consequence: missense variant.
Genome position (GRCh38, 1-based): chr2:73,451,581, C>T. VCF-style: chr2-73451581-C-T. GRCh37 (hg19) VCF-style: chr2-73678708-C-T.
Other names: c.5057C>T, p.Pro1686Leu (NM_015120.4); short protein forms P1685L, P1686L.
Identifiers: ClinVar variation 1934980 (VCV001934980.2), dbSNP rs1671941104, ClinGen allele CA347279825.

ClinVar aggregate classification (germline): Uncertain significance (1 of 4 stars; one submission).

Conditions:
Alstrom syndrome (ALMS). Identifiers: Orphanet 64, MedGen C0268425, MONDO:0008763, OMIM 203800.

Allele frequency attached by ClinVar (database versions not stated): TOPMed 0.00001.

Submission:

Labcorp Genetics (formerly Invitae), Labcorp
Classification: Uncertain significance for Alstrom syndrome. Last evaluated: 2022-05-12. Review status: criteria provided, single submitter. Criteria: Invitae Variant Classification Sherloc (09022015). Collection method: clinical testing. Allele origin: germline.
Comment: This sequence change replaces proline, which is neutral and non-polar, with leucine, which is neutral and non-polar, at codon 1686 of the ALMS1 protein (p.Pro1686Leu). This variant is not present in population databases (gnomAD no frequency). This variant has not been reported in the literature in individuals affected with ALMS1-related conditions. Experimental studies and prediction algorithms are not available or were not evaluated, and the functional significance of this variant is currently unknown. In summary, the available evidence is currently insufficient to determine the role of this variant in disease. Therefore, it has been classified as a Variant of Uncertain Significance.